The following is an entry in ClinVar:

ClinVar aggregate classification (germline): Uncertain significance (1 of 4 stars; one submission).

gnomAD v4.1: 7 of 1,613,944 alleles (0.00043%); highest among the groups gnomAD compares: East Asian, 0.016%; no homozygotes.

Submission:

CeGaT Center for Human Genetics Tuebingen
Classification: Uncertain significance. Last evaluated: 2025-11-01. Review status: criteria provided, single submitter. Criteria: CeGaT Center For Human Genetics Tuebingen Variant Classification Criteria Version 2. Collection method: clinical testing. Allele origin: germline. Affected: yes. Observed: 1 variant allele.
Comment: ZNF407: PM2, BP4

NM_017757.3(ZNF407):c.1273A>C (p.Asn425His)

Gene: ZNF407 (zinc finger protein 407; plus strand). Cytogenetic location: 18q22.3.
Variant type: single nucleotide variant.
Coding change: c.1273A>C on transcript NM_017757.3 (MANE Select); coding-DNA position 1273, A replaced by C.
Protein change: p.Asn425His; replaces asparagine 425 with histidine.
Molecular consequence: missense variant.
Genome position (GRCh38, 1-based): chr18:74,632,292, A>C. VCF-style: chr18-74632292-A-C. GRCh37 (hg19) VCF-style: chr18-72344248-A-C.
Other names: c.1273A>C, p.Asn425His (NM_001146189.1, NM_001146190.1, NM_001384475.1); short protein forms N425H.
Identifiers: ClinVar variation 4534527 (VCV004534527.6).